The following is an entry in ClinVar:

ClinVar aggregate classification (germline): Pathogenic (1 of 4 stars; one submission).

Allele frequency attached by ClinVar (database versions not stated): TOPMed 0.00001.

Submission:

Labcorp Genetics (formerly Invitae), Labcorp
Classification: Pathogenic. Last evaluated: 2023-07-09. Review status: criteria provided, single submitter. Criteria: Invitae Variant Classification Sherloc (09022015). Collection method: clinical testing. Allele origin: germline.
Comment: This sequence change creates a premature translational stop signal (p.Glu1462Argfs*8) in the ABCC2 gene. It is expected to result in an absent or disrupted protein product. Loss-of-function variants in ABCC2 are known to be pathogenic (PMID: 9185779, 16549534, 16952291). This variant is not present in population databases (gnomAD no frequency). This variant has not been reported in the literature in individuals affected with ABCC2-related conditions. For these reasons, this variant has been classified as Pathogenic.

Literature cited by the submitters: PubMed 9185779; PubMed 16549534; PubMed 16952291.

NM_000392.5(ABCC2):c.4384del (p.Glu1462fs)

Gene: ABCC2 (ATP binding cassette subfamily C member 2; plus strand). Cytogenetic location: 10q24.2.
Variant type: Deletion.
Coding change: c.4384del on transcript NM_000392.5 (MANE Select); coding-DNA position 4384, one base deleted (G; older notation c.4384delG).
Protein change: p.Glu1462fs; shifts the reading frame from glutamic acid 1462.
Molecular consequence: frameshift variant.
Genome position (GRCh38, 1-based): chr10:99,850,672, G deleted. VCF-style (leftmost placement, unchanged base first): chr10-99850671-TG-T. GRCh37 (hg19) VCF-style: chr10-101610428-TG-T.
Other names: short protein forms E1462fs.
Identifiers: ClinVar variation 2793416 (VCV002793416.4), dbSNP rs1261223764, ClinGen allele CA670644424.